The following is an entry in ClinVar:

ClinVar aggregate classification (germline): Uncertain significance (1 of 4 stars; one submission).

Submission:

GeneDx
Classification: Uncertain significance. Last evaluated: 2023-10-27. Review status: criteria provided, single submitter. Criteria: GeneDx Variant Classification Process June 2021. Collection method: clinical testing. Allele origin: germline. Affected: yes.
Comment: Not observed at significant frequency in large population cohorts (gnomAD); In silico analysis supports that this missense variant does not alter protein structure/function; Has not been previously published as pathogenic or benign to our knowledge

NM_014915.3(ANKRD26):c.4774C>G (p.Gln1592Glu)

Gene: ANKRD26 (ankyrin repeat domain containing 26; minus strand). Cytogenetic location: 10p12.1.
Variant type: single nucleotide variant.
Coding change: c.4774C>G on transcript NM_014915.3 (MANE Select); coding-DNA position 4774, C replaced by G.
Protein change: p.Gln1592Glu; replaces glutamine 1592 with glutamic acid.
Molecular consequence: missense variant.
Genome position (GRCh38, 1-based): chr10:27,013,061, G>C on the plus strand (C>G on the coding strand, the complement: ANKRD26 is on the minus strand). VCF-style: chr10-27013061-G-C. GRCh37 (hg19) VCF-style: chr10-27301990-G-C.
Other names: c.4771C>G, p.Gln1591Glu (NM_001256053.2); short protein forms Q1591E, Q1592E.
Identifiers: ClinVar variation 3363612 (VCV003363612.1).